The following is an entry in ClinVar:

ClinVar aggregate classification (germline): Uncertain significance (1 of 4 stars; one submission).

gnomAD v4.1: 6 of 1,610,868 alleles (0.00037%); highest among the groups gnomAD compares: Non-Finnish European, 0.00051%; no homozygotes.

Submission:

Labcorp Genetics (formerly Invitae), Labcorp
Classification: Uncertain significance. Last evaluated: 2025-12-06. Review status: criteria provided, single submitter. Criteria: Invitae Variant Classification Sherloc (09022015). Collection method: clinical testing. Allele origin: germline.
Comment: This sequence change replaces alanine, which is neutral and non-polar, with threonine, which is neutral and polar, at codon 368 of the ZNF513 protein (p.Ala368Thr). This variant is present in population databases (no rsID available, gnomAD 0.007%). This variant has not been reported in the literature in individuals affected with ZNF513-related conditions. An algorithm developed to predict the effect of missense changes on protein structure and function (PolyPhen-2) suggests that this variant is likely to be disruptive. In summary, the available evidence is currently insufficient to determine the role of this variant in disease. Therefore, it has been classified as a Variant of Uncertain Significance.

NM_144631.6(ZNF513):c.1102G>A (p.Ala368Thr)

Gene: ZNF513 (zinc finger protein 513; minus strand). Cytogenetic location: 2p23.3.
Variant type: single nucleotide variant.
Coding change: c.1102G>A on transcript NM_144631.6 (MANE Select); coding-DNA position 1102, G replaced by A.
Protein change: p.Ala368Thr; replaces alanine 368 with threonine.
Molecular consequence: missense variant.
Genome position (GRCh38, 1-based): chr2:27,378,069, C>T on the plus strand (G>A on the coding strand, the complement: ZNF513 is on the minus strand). VCF-style: chr2-27378069-C-T. GRCh37 (hg19) VCF-style: chr2-27600936-C-T.
Other names: c.916G>A, p.Ala306Thr (NM_001201459.2); short protein forms A306T, A368T.
Identifiers: ClinVar variation 4704952 (VCV004704952.1).